The following is an entry in ClinVar:

NM_006885.4(ZFHX3):c.4073C>G (p.Ser1358Ter)

Genes: ZFHX3-AS1 (ZFHX3 antisense RNA 1; plus strand), ZFHX3 (zinc finger homeobox 3; minus strand). Cytogenetic location: 16q22.2.
Variant type: single nucleotide variant.
Coding change: c.4073C>G on transcript NM_006885.4 (MANE Select); coding-DNA position 4073, C replaced by G.
Protein change: p.Ser1358Ter; replaces serine 1358 with a stop codon.
Molecular consequence: nonsense.
Genome position (GRCh38, 1-based): chr16:72,798,609, G>C on the plus strand (C>G on the coding strand, the complement: ZFHX3 is on the minus strand). VCF-style: chr16-72798609-G-C. GRCh37 (hg19) VCF-style: chr16-72832508-G-C.
Other names: c.1331C>G, p.Ser444Ter (NM_001164766.2); c.4073C>G, p.Ser1358Ter (NM_001386735.1); short protein forms S1358*, S444*.
Identifiers: ClinVar variation 3362207 (VCV003362207.2).

ClinVar aggregate classification (germline): Pathogenic (1 of 4 stars; one submission).

Submission:

GeneDx
Classification: Pathogenic. Last evaluated: 2025-11-12. Review status: criteria provided, single submitter. Criteria: GeneDx Variant Classification Process June 2021. Collection method: clinical testing. Allele origin: germline.
Comment: Nonsense variant predicted to result in protein truncation or nonsense mediated decay in a gene for which loss of function is a known mechanism of disease; Not observed at significant frequency in large population cohorts (gnomAD); Has not been previously published as pathogenic or benign to our knowledge